The following is an entry in ClinVar:

NM_000275.3(OCA2):c.1147A>G (p.Ile383Val)

Gene: OCA2 (OCA2 melanosomal transmembrane protein; minus strand). Cytogenetic location: 15q13.1.
Variant type: single nucleotide variant.
Coding change: c.1147A>G on transcript NM_000275.3 (MANE Select); coding-DNA position 1147, A replaced by G.
Protein change: p.Ile383Val; replaces isoleucine 383 with valine.
Molecular consequence: missense variant.
Genome position (GRCh38, 1-based): chr15:27,989,636, T>C on the plus strand (A>G on the coding strand, the complement: OCA2 is on the minus strand). VCF-style: chr15-27989636-T-C. GRCh37 (hg19) VCF-style: chr15-28234782-T-C.
Other names: c.1075A>G, p.Ile359Val (NM_001300984.2); short protein forms I359V, I383V.
Identifiers: ClinVar variation 3375338 (VCV003375338.1).

ClinVar aggregate classification (germline): Uncertain significance (1 of 4 stars; one submission).

gnomAD v4.1: 1 of 1,613,952 alleles (0.000062%); highest among the groups gnomAD compares: Non-Finnish European, 0.000085%; no homozygotes.

Submission:

Women's Health and Genetics/Laboratory Corporation of America, LabCorp
Classification: Uncertain significance. Last evaluated: 2024-09-20. Review status: criteria provided, single submitter. Criteria: LabCorp Variant Classification Summary - May 2015. Collection method: clinical testing. Allele origin: germline.
Comment: Variant summary: OCA2 c.1147A>G (p.Ile383Val) results in a conservative amino acid change located in the Citrate transporter-like domain (IPR004680) of the encoded protein sequence. Four of five in-silico tools predict a damaging effect of the variant on protein function. The variant was absent in 251406 control chromosomes. The available data on variant occurrences in the general population are insufficient to allow any conclusion about variant significance. c.1147A>G has been reported in the literature in the presumed compound heterozygous state in at least 1 individual affected with Oculocutaneous Albinism (example, Seguy_2023). These data do not allow any conclusion about variant significance. To our knowledge, no experimental evidence demonstrating an impact on protein function has been reported. The following publication has been ascertained in the context of this evaluation (PMID: 37707835). No submitters have cited clinical-significance assessments for this variant to ClinVar. Based on the evidence outlined above, the variant was classified as uncertain significance.

Literature cited by the submitters: PubMed 37707835.